The following is an entry in ClinVar:

ClinVar aggregate classification (germline): Uncertain significance (1 of 4 stars; one submission).

Submission:

Labcorp Genetics (formerly Invitae), Labcorp
Classification: Uncertain significance. Last evaluated: 2025-02-03. Review status: criteria provided, single submitter. Criteria: Invitae Variant Classification Sherloc (09022015). Collection method: clinical testing. Allele origin: germline.
Comment: This sequence change replaces glycine, which is neutral and non-polar, with serine, which is neutral and polar, at codon 160 of the CTNNA1 protein (p.Gly160Ser). This variant is not present in population databases (gnomAD no frequency). This variant has not been reported in the literature in individuals affected with CTNNA1-related conditions. Invitae Evidence Modeling of protein sequence and biophysical properties (such as structural, functional, and spatial information, amino acid conservation, physicochemical variation, residue mobility, and thermodynamic stability) indicates that this missense variant is not expected to disrupt CTNNA1 protein function with a negative predictive value of 80%. In summary, the available evidence is currently insufficient to determine the role of this variant in disease. Therefore, it has been classified as a Variant of Uncertain Significance.

NM_001903.5(CTNNA1):c.478G>A (p.Gly160Ser)

Gene: CTNNA1 (catenin alpha 1; plus strand). Cytogenetic location: 5q31.2.
Variant type: single nucleotide variant.
Coding change: c.478G>A on transcript NM_001903.5 (MANE Select); coding-DNA position 478, G replaced by A.
Protein change: p.Gly160Ser; replaces glycine 160 with serine.
Molecular consequence: missense variant.
Genome position (GRCh38, 1-based): chr5:138,812,192, G>A. VCF-style: chr5-138812192-G-A. GRCh37 (hg19) VCF-style: chr5-138147881-G-A.
Other names: c.478G>A, p.Gly160Ser (NM_001290307.3, NM_001323982.2, NM_001323983.1 and 3 more transcripts); c.169G>A, p.Gly57Ser (NM_001290309.3); c.109G>A, p.Gly37Ser (NM_001290310.3); short protein forms G37S, G57S, G160S.
Identifiers: ClinVar variation 4742724 (VCV004742724.1).